The following is an entry in ClinVar:

ClinVar aggregate classification (germline): Likely benign (1 of 4 stars; one submission).

Submission:

CeGaT Center for Human Genetics Tuebingen
Classification: Likely benign. Last evaluated: 2026-07-01. Review status: criteria provided, single submitter. Criteria: CeGaT Center For Human Genetics Tuebingen Variant Classification Criteria Version 2. Collection method: clinical testing. Allele origin: germline. Affected: yes. Observed: 1 variant allele.
Comment: MUC4: BP4, BP7

NM_018406.7(MUC4):c.4935C>T (p.His1645=)

Gene: MUC4 (mucin 4, cell surface associated). Cytogenetic location: 3q29.
Variant type: single nucleotide variant.
Coding change: c.4935C>T on transcript NM_018406.7 (MANE Select); coding-DNA position 4935, C replaced by T.
Protein change: p.His1645=; no amino-acid change (histidine 1645 retained).
Molecular consequence: synonymous variant. On other transcripts: intron variant (2).
Genome position (GRCh38, 1-based): chr3:195,786,645, G>A on the plus strand (C>T on the coding strand, the complement: MUC4 is on the minus strand). VCF-style: chr3-195786645-G-A. GRCh37 (hg19) VCF-style: chr3-195513516-G-A.
Other names: c.83-12340C>T (NM_138297.5); c.83-8190C>T (NM_004532.6).
Identifiers: ClinVar variation 5038919 (VCV005038919.1).